The following is an entry in ClinVar:

ClinVar aggregate classification (germline): Uncertain significance (1 of 4 stars; one submission).

Conditions:
Glycogen storage disease IXb (GSD9B). Also called: PHOSPHORYLASE KINASE DEFICIENCY OF LIVER AND MUSCLE, AUTOSOMAL RECESSIVE; GLYCOGENOSIS OF LIVER AND MUSCLE, AUTOSOMAL RECESSIVE; GSD IXb. Identifiers: Orphanet 79240, MedGen C0543514, MONDO:0009868, OMIM 261750.

Submission:

Labcorp Genetics (formerly Invitae), Labcorp
Classification: Uncertain significance for Glycogen storage disease IXb. Last evaluated: 2022-06-25. Review status: criteria provided, single submitter. Criteria: Invitae Variant Classification Sherloc (09022015). Collection method: clinical testing. Allele origin: germline.
Comment: This sequence change replaces threonine, which is neutral and polar, with isoleucine, which is neutral and non-polar, at codon 702 of the PHKB protein (p.Thr702Ile). This variant is not present in population databases (gnomAD no frequency). This variant has not been reported in the literature in individuals affected with PHKB-related conditions. Algorithms developed to predict the effect of missense changes on protein structure and function (SIFT, PolyPhen-2, Align-GVGD) all suggest that this variant is likely to be tolerated. In summary, the available evidence is currently insufficient to determine the role of this variant in disease. Therefore, it has been classified as a Variant of Uncertain Significance.

NM_000293.3(PHKB):c.2105C>T (p.Thr702Ile)

Gene: PHKB (phosphorylase kinase regulatory subunit beta; plus strand). Cytogenetic location: 16q12.1.
Variant type: single nucleotide variant.
Coding change: c.2105C>T on transcript NM_000293.3 (MANE Select); coding-DNA position 2105, C replaced by T.
Protein change: p.Thr702Ile; replaces threonine 702 with isoleucine.
Molecular consequence: missense variant.
Genome position (GRCh38, 1-based): chr16:47,660,728, C>T. VCF-style: chr16-47660728-C-T. GRCh37 (hg19) VCF-style: chr16-47694639-C-T.
Other names: c.2084C>T, p.Thr695Ile (NM_001031835.3); c.2105C>T, p.Thr702Ile (NM_001363837.1); short protein forms T702I, T695I.
Identifiers: ClinVar variation 2010692 (VCV002010692.4), dbSNP rs1973427551, ClinGen allele CA395788821.
Genomic context (GRCh38, chr16:47,660,728, plus strand): 5'-TTAAGAGTTTTGAGGAACTAGAACCTCCCAAACATTCAAAAGTCAAACGGCAAAGCAGCA[C>T]CCCTAGTGCTCCTGAACTGGGACAGCAGCCGGATGTCAACATTAGTGAATGGAAGGACAA-3'
Protein context (NP_000284.1, residues 692-712): KHSKVKRQSS[Thr702Ile]PSAPELGQQP